The following is an entry in ClinVar:

NM_015450.3(POT1):c.992A>G (p.Gln331Arg)

Gene: POT1 (protection of telomeres 1; minus strand). Cytogenetic location: 7q31.33.
Variant type: single nucleotide variant.
Coding change: c.992A>G on transcript NM_015450.3 (MANE Select); coding-DNA position 992, A replaced by G.
Protein change: p.Gln331Arg; replaces glutamine 331 with arginine.
Molecular consequence: missense variant. On other transcripts: non-coding transcript variant (3).
Genome position (GRCh38, 1-based): chr7:124,846,956, T>C on the plus strand (A>G on the coding strand, the complement: POT1 is on the minus strand). VCF-style: chr7-124846956-T-C. GRCh37 (hg19) VCF-style: chr7-124487010-T-C.
Other names: c.992A>G (NM_015450.2); c.599A>G, p.Gln200Arg (NM_001042594.2); short protein forms Q200R, Q331R.
Identifiers: ClinVar variation 1021929 (VCV001021929.10), dbSNP rs1795184096, ClinGen allele CA369053716.
Genomic context (GRCh38, chr7:124,846,956, plus strand): 5'-TTATGCTCATTACTGTGCCCATCTCAAAAATGATACATAGTCTTACTTGTAGCAGATAGC[T>C]GTTGACATCTTTCTACCTCGTATAATGATACTGATCCAGAGCCTATAAAAAGGAAAAGGC-3'
Protein context (NP_056265.2, residues 321-341): VSLYEVERCQ[Gln331Arg]LSATILTDHQ

ClinVar aggregate classification (germline): Uncertain significance. Review status: criteria provided, multiple submitters, no conflicts (2 of 4 stars). 2 submissions from 2 submitters: Uncertain significance (2). Last evaluated 2022-10-17.

Conditions:
Tumor predisposition syndrome 3 (TPDS3). Also called: Glioma susceptibility 9; LONG TELOMERE SYNDROME, POT1-RELATED; POT1 Tumor Predisposition; Melanoma, cutaneous malignant, susceptibility to, 10. Identifiers: Orphanet 618, MedGen C4014476, MONDO:0014368, OMIM 615848.

Allele frequency attached by ClinVar (database versions not stated): gnomAD exomes below 0.00001.
gnomAD v4.1: 1 of 1,603,332 alleles (0.000062%); highest among the groups gnomAD compares: Admixed American, 0.0017%; no homozygotes.

Submissions (2):

Labcorp Genetics (formerly Invitae), Labcorp
Classification: Uncertain significance for Tumor predisposition syndrome 3. Last evaluated: 2022-10-17. Review status: criteria provided, single submitter. Criteria: Invitae Variant Classification Sherloc (09022015). Collection method: clinical testing. Allele origin: germline.
Comment: This sequence change replaces glutamine, which is neutral and polar, with arginine, which is basic and polar, at codon 331 of the POT1 protein (p.Gln331Arg). This variant is not present in population databases (gnomAD no frequency). This variant has not been reported in the literature in individuals affected with POT1-related conditions. ClinVar contains an entry for this variant (Variation ID: 1021929). Advanced modeling of protein sequence and biophysical properties (such as structural, functional, and spatial information, amino acid conservation, physicochemical variation, residue mobility, and thermodynamic stability) performed at Invitae indicates that this missense variant is not expected to disrupt POT1 protein function. In summary, the available evidence is currently insufficient to determine the role of this variant in disease. Therefore, it has been classified as a Variant of Uncertain Significance.

Quest Diagnostics Nichols Institute San Juan Capistrano
Classification: Uncertain significance. Last evaluated: 2022-10-07. Review status: criteria provided, single submitter. Criteria: Quest Diagnostics criteria. Collection method: clinical testing. Allele origin: unknown.
Comment: The variant has not been reported in the published literature. It also has not been reported in large, multi-ethnic general populations. Analysis of this variant using bioinformatics tools for the prediction of the effect of amino acid changes on protein structure and function yielded conflicting predictions that this variant is benign or damaging. Based on the available information, we are unable to determine the clinical significance of this variant.